The following is an entry in ClinVar:

ClinVar aggregate classification (germline): Pathogenic (1 of 4 stars; one submission).

Conditions:
Galactosylceramide beta-galactosidase deficiency. Also called: Leukodystrophy, Globoid Cell; Krabbe Disease; GALACTOCEREBROSIDASE DEFICIENCY; GALC DEFICIENCY; GLOBOID CELL LEUKOENCEPHALOPATHY. Identifiers: Orphanet 487, MedGen C0023521, MONDO:0009499, OMIM 245200.

gnomAD v4.1: 1 of 1,559,764 alleles (0.000064%); highest among the groups gnomAD compares: Non-Finnish European, 0.000088%; no homozygotes.

Submission:

Labcorp Genetics (formerly Invitae), Labcorp
Classification: Pathogenic for Galactosylceramide beta-galactosidase deficiency. Last evaluated: 2024-02-25. Review status: criteria provided, single submitter. Criteria: Invitae Variant Classification Sherloc (09022015). Collection method: clinical testing. Allele origin: germline.
Comment: This sequence change affects a donor splice site in intron 11 of the GALC gene. It is expected to disrupt RNA splicing. Variants that disrupt the donor or acceptor splice site typically lead to a loss of protein function (PMID: 16199547), and loss-of-function variants in GALC are known to be pathogenic (PMID: 7437911, 9272171, 16607461). This variant is present in population databases (rs779990751, gnomAD 0.0009%). Disruption of this splice site has been observed in individual(s) with Krabbe disease (PMID: 28598007). Algorithms developed to predict the effect of sequence changes on RNA splicing suggest that this variant may disrupt the consensus splice site. For these reasons, this variant has been classified as Pathogenic.

Literature cited by the submitters: PubMed 16199547; PubMed 7437911; PubMed 9272171; PubMed 16607461; PubMed 28598007.

NM_000153.4(GALC):c.1251+1G>A

Gene: GALC (galactosylceramidase; minus strand). Cytogenetic location: 14q31.3.
Variant type: single nucleotide variant.
Coding change: c.1251+1G>A on transcript NM_000153.4 (MANE Select); the canonical splice donor site of the intron after coding-DNA position 1251, G replaced by A.
Molecular consequence: splice donor variant.
Genome position (GRCh38, 1-based): chr14:87,950,658, C>T on the plus strand (G>A on the coding strand, the complement: GALC is on the minus strand). VCF-style: chr14-87950658-C-T. GRCh37 (hg19) VCF-style: chr14-88417002-C-T.
Other names: c.618+1G>A (NM_001424076.1, NM_001424077.1); c.1173+1G>A (NM_001201402.2); c.1182+1G>A (NM_001201401.2); c.903+1G>A (NM_001424075.1, NM_001424074.1); c.1083+1G>A (NM_001424072.1, NM_001424073.1, NM_001424071.1).
Identifiers: ClinVar variation 3704456 (VCV003704456.2).